The following is an entry in ClinVar:

ClinVar aggregate classification (germline): Pathogenic/Likely pathogenic. Review status: criteria provided, multiple submitters, no conflicts (2 of 4 stars). 2 submissions from 2 submitters: Pathogenic (1); Likely pathogenic (1). Last evaluated 2025-09-04.

Conditions:
Dyskeratosis congenita, autosomal recessive 6 (DKCB6). Identifiers: MedGen C4225356, MONDO:0014600, OMIM 616353.
Pulmonary fibrosis and/or bone marrow failure, Telomere-related, 4. Also called: PULMONARY FIBROSIS AND/OR BONE MARROW FAILURE SYNDROME, TELOMERE-RELATED, 4. Identifiers: Orphanet 2032, MedGen C4225347, MONDO:0014612, OMIM 616371.

Submissions (2):

Mayo Clinic Laboratories, Mayo Clinic
Classification: Likely pathogenic. Last evaluated: 2025-09-04. Review status: criteria provided, single submitter. Criteria: ACMG Guidelines, 2015. Collection method: clinical testing. Allele origin: germline. Observed: 1 variant allele.
Comment: PM2_supporting, PVS1

Labcorp Genetics (formerly Invitae), Labcorp
Classification: Pathogenic for Dyskeratosis congenita, autosomal recessive 6; Pulmonary fibrosis and/or bone marrow failure, Telomere-related, 4. Last evaluated: 2025-03-26. Review status: criteria provided, single submitter. Criteria: Invitae Variant Classification Sherloc (09022015). Collection method: clinical testing. Allele origin: germline.
Comment: This sequence change creates a premature translational stop signal (p.Asp292Glyfs*19) in the PARN gene. It is expected to result in an absent or disrupted protein product. Loss-of-function variants in PARN are known to be pathogenic (PMID: 9736620, 25848748, 26810774). This variant is not present in population databases (gnomAD no frequency). This variant has not been reported in the literature in individuals affected with PARN-related conditions. For these reasons, this variant has been classified as Pathogenic.

Literature cited by the submitters: PubMed 9736620 (cited by Labcorp Genetics (formerly Invitae), Labcorp); PubMed 25848748 (cited by Labcorp Genetics (formerly Invitae), Labcorp); PubMed 26810774 (cited by Labcorp Genetics (formerly Invitae), Labcorp).

NM_002582.4(PARN):c.874dup (p.Asp292fs)

Gene: PARN (poly(A)-specific ribonuclease; minus strand). Cytogenetic location: 16p13.12.
Variant type: Duplication.
Coding change: c.874dup on transcript NM_002582.4 (MANE Select); coding-DNA position 874, one base duplicated (G; older notation c.874dupG).
Protein change: p.Asp292fs; shifts the reading frame from aspartic acid 292.
Molecular consequence: frameshift variant.
Genome position (GRCh38, 1-based): chr16:14,593,345, C duplicated on the plus strand (G on the coding strand, the reverse complement: PARN is on the minus strand); the first of 2 consecutive C bases (chr16:14,593,345-14,593,346); duplicating either gives the same sequence. VCF-style (leftmost placement, unchanged base first): chr16-14593344-T-TC. GRCh37 (hg19) VCF-style: chr16-14687201-T-TC.
Other names: p.Asp292Glyfs*19; c.691dup, p.Asp231fs (NM_001134477.3); c.736dup, p.Asp246fs (NM_001242992.2); short protein forms D231fs, D246fs, D292fs.
Identifiers: ClinVar variation 4542013 (VCV004542013.2).
Genomic context (GRCh38, chr16:14,593,344, plus strand): 5'-ACCAACAGGTCACTTACCGCAGGCAGAGGGCAGTAGAACTGATGAACTGTGTGCATGACG[T>TC]CCAAGAGCATATTGTGTCCAATAACAAGTTTTCCCTAAAGAAAGTCAAGGTTAGAAAAAA-3'